The following is an entry in ClinVar:

ClinVar aggregate classification (germline): Uncertain significance (1 of 4 stars; one submission).

Conditions:
Hereditary cancer-predisposing syndrome. Also called: Hereditary Cancer Syndrome; Neoplastic Syndromes, Hereditary; Tumor predisposition; Hereditary neoplastic syndrome. Identifiers: Orphanet 140162, MedGen C0027672, MeSH D009386, MONDO:0015356.

Submission:

Ambry Genetics
Classification: Uncertain significance for Hereditary cancer-predisposing syndrome. Last evaluated: 2017-10-17. Review status: criteria provided, single submitter. Criteria: Ambry Variant Classification Scheme 2023. Collection method: clinical testing. Allele origin: germline.
Comment: The p.A1623S variant (also known as c.4867G>T), located in coding exon 14 of the BRCA1 gene, results from a G to T substitution at nucleotide position 4867. The alanine at codon 1623 is replaced by serine, an amino acid with similar properties. This amino acid position is not well conserved in available vertebrate species. In addition, the in silico prediction for this alteration is inconclusive. Since supporting evidence is limited at this time, the clinical significance of this alteration remains unclear.

NM_007294.4(BRCA1):c.4867G>T (p.Ala1623Ser)

Gene: BRCA1 (BRCA1 DNA repair associated; minus strand). Cytogenetic location: 17q21.31.
Variant type: single nucleotide variant.
Coding change: c.4867G>T on transcript NM_007294.4 (MANE Select); coding-DNA position 4867, G replaced by T.
Protein change: p.Ala1623Ser; replaces alanine 1623 with serine.
Molecular consequence: missense variant. On other transcripts: non-coding transcript variant (1).
Genome position (GRCh38, 1-based): chr17:43,071,047, C>A on the plus strand (G>T on the coding strand, the complement: BRCA1 is on the minus strand). VCF-style: chr17-43071047-C-A. GRCh37 (hg19) VCF-style: chr17-41223064-C-A.
Other names: c.4720G>T, p.Ala1574Ser (NM_001407853.1, NM_001407838.1, NM_001407839.1 and 12 more transcripts); c.4867G>T, p.Ala1623Ser (NM_001407854.1, NM_001407593.1, NM_001407594.1 and 8 more transcripts); c.1345G>T, p.Ala449Ser (NM_001408490.1, NM_001408489.1, NM_001408484.1 and 5 more transcripts); c.4861G>T, p.Ala1621Ser (NM_001407861.1, NM_001407627.1, NM_001407628.1 and 14 more transcripts); c.4741G>T, p.Ala1581Ser (NM_001407863.1, NM_001407670.1, NM_001407671.1 and 11 more transcripts); c.4666G>T, p.Ala1556Ser (NM_001407862.1); c.4660G>T, p.Ala1554Ser (NM_001407874.1, NM_001407875.1); c.4864G>T, p.Ala1622Ser (NM_001407858.1, NM_001407859.1, NM_001407860.1 and 17 more transcripts); and 70 more; short protein forms A1326S, A1496S, A1534S, A1535S, A1553S, A1554S, A1618S, A1619S.
Identifiers: ClinVar variation 1743673 (VCV001743673.2), dbSNP rs2153829237, ClinGen allele CA10591792.